The following is an entry in ClinVar:

ClinVar aggregate classification (germline): Likely benign. Review status: criteria provided, multiple submitters, no conflicts (2 of 4 stars). 7 submissions from 6 submitters: Likely benign (7). Last evaluated 2025-12-21.

Conditions:
USH2A-related disorder. Also called: USH2A-related condition; USH2A-related disorders. Identifiers: MedGen CN239332.
Retinal dystrophy. Also called: Inherited retinal dystrophy. Identifiers: Orphanet 71862, MedGen C0854723, MeSH D058499, MONDO:0019118, HP:0000556.
Usher syndrome type 2A. Also called: USHER SYNDROME, TYPE IIA; RETINAL DISEASE IN USHER SYNDROME TYPE IIA, MODIFIER OF. Identifiers: Orphanet 231178, Orphanet 886, MedGen C1848634, MONDO:0010169, OMIM 276901.
Retinitis pigmentosa 39 (RP39). Identifiers: Orphanet 791, MedGen C3151138, MONDO:0013436, OMIM 613809.

Allele frequency attached by ClinVar (database versions not stated): gnomAD 0.00013; TOPMed 0.00040; 1000 Genomes Project 30x 0.00078; 1000 Genomes Project 0.00080.
gnomAD v4.1: 149 of 1,613,974 alleles (0.0092%); highest among the groups gnomAD compares: East Asian, 0.26%; 1 homozygote.

Submissions (7):

Labcorp Genetics (formerly Invitae), Labcorp
Classification: Likely benign. Last evaluated: 2025-12-21. Review status: criteria provided, single submitter. Criteria: Invitae Variant Classification Sherloc (09022015). Collection method: clinical testing. Allele origin: germline.

PreventionGenetics, part of Exact Sciences
Classification: Likely benign for USH2A-related condition. Last evaluated: 2025-08-15. Review status: criteria provided, single submitter. Criteria: ACMG Guidelines, 2015. Collection method: clinical testing. Allele origin: germline.
Comment: This variant is classified as likely benign based on ACMG/AMP sequence variant interpretation guidelines (Richards et al. 2015 PMID: 25741868, with internal and published modifications).

Blueprint Genetics
Classification: Likely benign. Last evaluated: 2024-05-22. Review status: criteria provided, single submitter. Criteria: ACMG Guidelines, 2015. Collection method: clinical testing. Allele origin: germline.

Genome-Nilou Lab
Classification: Likely benign for Retinitis pigmentosa 39. Last evaluated: 2023-11-04. Review status: criteria provided, single submitter. Criteria: ACMG Guidelines, 2015. Collection method: clinical testing. Allele origin: germline. Affected: no.

Genome-Nilou Lab
Classification: Likely benign for Usher syndrome type 2A. Last evaluated: 2023-11-04. Review status: criteria provided, single submitter. Criteria: ACMG Guidelines, 2015. Collection method: clinical testing. Allele origin: germline. Affected: no.

Dept Of Ophthalmology, Nagoya University
Classification: Likely benign for Retinal dystrophy. Last evaluated: 2023-10-01. Review status: criteria provided, single submitter. Criteria: Submitter's publication. Collection method: research. Allele origin: germline. Affected: yes.

Laboratory for Molecular Medicine, Mass General Brigham Personalized Medicine
Classification: Likely benign. Last evaluated: 2013-11-08. Review status: criteria provided, single submitter. Criteria: LMM Criteria. Collection method: clinical testing. Allele origin: germline. Observed: 1 variant allele.
Comment: Ala3438Thr in Exon 52 of USH2A: This variant is not expected to have clinical si gnificance because it was identified in 0.8% (3/394) Chinese chromosomes screene d by the 1000 Genomes Project (dbSNP rs146980351). Furthermore, the amino acid residue at this position is not well conserved across species. Of note, several mammals (horse, platypus, mouse lemur and tarsier) have a threonine (Thr) at th is position.

NM_206933.4(USH2A):c.10312G>A (p.Ala3438Thr)

Gene: USH2A (usherin; minus strand). Cytogenetic location: 1q41.
Variant type: single nucleotide variant.
Coding change: c.10312G>A on transcript NM_206933.4 (MANE Select); coding-DNA position 10312, G replaced by A.
Protein change: p.Ala3438Thr; replaces alanine 3438 with threonine.
Molecular consequence: missense variant.
Genome position (GRCh38, 1-based): chr1:215,786,745, C>T on the plus strand (G>A on the coding strand, the complement: USH2A is on the minus strand). VCF-style: chr1-215786745-C-T. GRCh37 (hg19) VCF-style: chr1-215960087-C-T.
Other names: short protein forms A3438T.
Identifiers: ClinVar variation 179268 (VCV000179268.19), dbSNP rs146980351, ClinGen allele CA184082.
Genomic context (GRCh38, chr1:215,786,745, plus strand): 5'-TGTTTACACTCCCTGTATGAATGGTTTCTTCGGCAGATGAACACATTTCTTCAATTGATG[C>T]CTTCCCTGTGGAATTGTGAGACCCTCTTATCACAGTGCAAATGTGGCTGGTAAAGTTGAA-3'
Protein context (NP_996816.3, residues 3428-3448): IRGSHNSTGK[Ala3438Thr]SIEEMCSSAE